The following is an entry in ClinVar:

ClinVar aggregate classification (germline): Likely benign (1 of 4 stars; one submission).

gnomAD v4.1: 213 of 1,614,000 alleles (0.013%); highest among the groups gnomAD compares: Non-Finnish European, 0.017%; no homozygotes.

Submission:

CeGaT Center for Human Genetics Tuebingen
Classification: Likely benign. Last evaluated: 2025-04-01. Review status: criteria provided, single submitter. Criteria: CeGaT Center For Human Genetics Tuebingen Variant Classification Criteria Version 2. Collection method: clinical testing. Allele origin: germline. Affected: yes. Observed: 1 variant allele.
Comment: HERC2: BP4, BP7

NM_004667.6(HERC2):c.7908T>A (p.Ser2636=)

Gene: HERC2 (HECT and RLD domain containing E3 ubiquitin protein ligase 2; minus strand). Cytogenetic location: 15q13.1.
Variant type: single nucleotide variant.
Coding change: c.7908T>A on transcript NM_004667.6 (MANE Select); coding-DNA position 7908, T replaced by A.
Protein change: p.Ser2636=; no amino-acid change (serine 2636 retained).
Molecular consequence: synonymous variant.
Genome position (GRCh38, 1-based): chr15:28,198,481, A>T on the plus strand (T>A on the coding strand, the complement: HERC2 is on the minus strand). VCF-style: chr15-28198481-A-T. GRCh37 (hg19) VCF-style: chr15-28443627-A-T.
Identifiers: ClinVar variation 3898284 (VCV003898284.7).